The following is an entry in ClinVar:

ClinVar aggregate classification (germline): Uncertain significance. Review status: criteria provided, multiple submitters, no conflicts (2 of 4 stars). 2 submissions from 2 submitters: Uncertain significance (2). Last evaluated 2024-02-04.

Conditions:
Emery-Dreifuss muscular dystrophy 4, autosomal dominant (EDMD4). Also called: EMERY-DREIFUSS MUSCULAR DYSTROPHY 4 WITH VARIABLE FEATURES. Identifiers: Orphanet 261, MedGen C2751807, MONDO:0013071, OMIM 612998.
Autosomal recessive ataxia, Beauce type. Also called: Spinocerebellar ataxia, autosomal recessive 8; ATAXIA, RECESSIVE, OF BEAUCE; SYNE1 Deficiency; SYNE1-Related Autosomal Recessive Cerebellar Ataxia. Identifiers: Orphanet 88644, MedGen C1853116, MONDO:0012549, OMIM 610743.

Allele frequency attached by ClinVar (database versions not stated): gnomAD exomes 0.00001 and 0.00002; gnomAD 0.00002 and 0.00003; TOPMed 0.00002; ExAC 0.00004; ESP Exome Variant Server 0.00008; 1000 Genomes Project 0.00020; 1000 Genomes Project 30x 0.00031.
gnomAD v4.1: 15 of 1,614,154 alleles (0.00093%); highest among the groups gnomAD compares: East Asian, 0.0022%; no homozygotes.

Submissions (2):

Labcorp Genetics (formerly Invitae), Labcorp
Classification: Uncertain significance for Emery-Dreifuss muscular dystrophy 4, autosomal dominant; Autosomal recessive ataxia, Beauce type. Last evaluated: 2024-02-04. Review status: criteria provided, single submitter. Criteria: Invitae Variant Classification Sherloc (09022015). Collection method: clinical testing. Allele origin: germline.
Comment: This sequence change replaces glutamic acid, which is acidic and polar, with lysine, which is basic and polar, at codon 8115 of the SYNE1 protein (p.Glu8115Lys). This variant is present in population databases (rs200752692, gnomAD 0.006%). This variant has not been reported in the literature in individuals affected with SYNE1-related conditions. ClinVar contains an entry for this variant (Variation ID: 1055740). An algorithm developed to predict the effect of missense changes on protein structure and function (PolyPhen-2) suggests that this variant is likely to be disruptive. In summary, the available evidence is currently insufficient to determine the role of this variant in disease. Therefore, it has been classified as a Variant of Uncertain Significance.

Revvity Omics, Revvity
Classification: Uncertain significance. Last evaluated: 2019-06-27. Review status: criteria provided, single submitter. Criteria: ACMG Guidelines, 2015. Collection method: clinical testing. Allele origin: germline.

NM_182961.4(SYNE1):c.24556G>A (p.Glu8186Lys)

Gene: SYNE1 (spectrin repeat containing nuclear envelope protein 1; minus strand). Cytogenetic location: 6q25.2.
Variant type: single nucleotide variant.
Coding change: c.24556G>A on transcript NM_182961.4 (MANE Select); coding-DNA position 24556, G replaced by A.
Protein change: p.Glu8186Lys; replaces glutamic acid 8186 with lysine.
Molecular consequence: missense variant.
Genome position (GRCh38, 1-based): chr6:152,149,563, C>T on the plus strand (G>A on the coding strand, the complement: SYNE1 is on the minus strand). VCF-style: chr6-152149563-C-T. GRCh37 (hg19) VCF-style: chr6-152470698-C-T.
Other names: c.24343G>A (NM_033071.3); c.1162G>A, p.Glu388Lys (NM_001347701.2); c.1021G>A, p.Glu341Lys (NM_001347702.2); c.24343G>A, p.Glu8115Lys (NM_033071.5); short protein forms E341K, E388K, E8115K, E8186K.
Identifiers: ClinVar variation 1055740 (VCV001055740.11), dbSNP rs200752692, ClinGen allele CA4053149.